The following is an entry in ClinVar:

ClinVar aggregate classification (germline): Pathogenic (1 of 4 stars; one submission).

Conditions:
Lynch syndrome 5 (LYNCH5). Also called: Colorectal cancer, hereditary nonpolyposis, type 5; Hereditary non-polyposis colorectal cancer, type 5. Identifiers: Orphanet 144, MedGen C1833477, MONDO:0013710, OMIM 614350. Disease mechanism: loss of function.

Submission:

Myriad Genetics, Inc.
Classification: Pathogenic for Lynch syndrome 5. Last evaluated: 2023-08-21. Review status: criteria provided, single submitter. Criteria: Myriad Autosomal Dominant, Autosomal Recessive and X-Linked Classification Criteria (2023). Collection method: clinical testing. Allele origin: unknown.
Comment: This variant is considered pathogenic. This variant creates a frameshift predicted to result in premature protein truncation.

NM_000179.3(MSH6):c.2924_2927del (p.Asn975fs)

Gene: MSH6 (mutS homolog 6; plus strand). Cytogenetic location: 2p16.3.
Variant type: Deletion.
Coding change: c.2924_2927del on transcript NM_000179.3 (MANE Select); coding-DNA positions 2924 to 2927, 4 bases deleted (ACCG; older notation c.2924_2927delACCG).
Protein change: p.Asn975fs; shifts the reading frame from asparagine 975.
Molecular consequence: frameshift variant. On other transcripts: non-coding transcript variant (5), intron variant (2).
Genome position (GRCh38, 1-based): chr2:47,800,907-47,800,910, ACCG deleted. VCF-style (leftmost placement, unchanged base first): chr2-47800906-AACCG-A. GRCh37 (hg19) VCF-style: chr2-48028045-AACCG-A.
Other names: c.2534_2537del, p.Asn845fs (NM_001281492.2); c.2018_2021del, p.Asn673fs (NM_001281493.2, NM_001281494.2, NM_001406811.1 and 6 more transcripts); c.3020_3023del, p.Asn1007fs (NM_001406795.1, NM_001406802.1); c.2924_2927del, p.Asn975fs (NM_001406796.1, NM_001406798.1, NM_001406800.1 and 2 more transcripts); c.2627_2630del, p.Asn876fs (NM_001406797.1, NM_001406801.1, NM_001406805.1 and 10 more transcripts); c.2399_2402del, p.Asn800fs (NM_001406799.1, NM_001406806.1, NM_001406807.1); c.2846_2849del, p.Asn949fs (NM_001406804.1); c.2930_2933del, p.Asn977fs (NM_001406813.1); and 4 more; short protein forms N1007fs, N290fs, N673fs, N800fs, N845fs, N876fs, N919fs, N949fs.
Identifiers: ClinVar variation 2673696 (VCV002673696.1), dbSNP rs2530701976, ClinGen allele CA2695200596.